The following is an entry in ClinVar:

ClinVar aggregate classification (germline): Pathogenic. Review status: practice guideline (4 of 4 stars). 3 submissions from 3 submitters: Pathogenic (1). 2 of the submissions do not count toward it. Last evaluated 2014-07-31.

Conditions:
Huntington disease (HD). Also called: HUNTINGTON CHOREA; Huntington's chorea; Huntington's disease. Identifiers: Orphanet 248111, Orphanet 399, MedGen C0020179, MONDO:0007739, OMIM 143100.

Submissions (3):

American College of Medical Genetics and Genomics  (ACMG)
Classification: Pathogenic for Huntington disease. Last evaluated: 2014-07-31. Review status: practice guideline. Criteria: ACMG Guidelines for Huntington disease, 2014. Collection method: curation. Allele origin: germline. Inheritance: Autosomal dominant inheritance. Affected: yes.

OMIM
Classification: Pathogenic for HUNTINGTON DISEASE. Last evaluated: 2010-05-15. Review status: no assertion criteria provided. Collection method: literature only. Allele origin: germline. Not counted in ClinVar's aggregate classification.

GeneReviews
No classification provided. Condition: Huntington disease. Review status: no classification provided. Collection method: literature only. Allele origin: germline. Not counted in ClinVar's aggregate classification.
Comment: Repeat Range: Full penetrance

Literature cited by the submitters: PubMed 8401587 (cited by OMIM); PubMed 20154343 (cited by OMIM); PubMed 8755937 (cited by OMIM).

NC_000004.11:g.3076606GCA[40_?]

Genes: HTT (huntingtin; plus strand), LOC109461479 (huntingtin repeat instability region; plus strand), LOC129929027 (ATAC-STARR-seq lymphoblastoid silent region 15199; plus strand). Cytogenetic location: 4p16.3.
Variant type: Microsatellite.
Other names: NC_000004.11:g.3076606GCA[(40_?)]; c.52CAR[(40_?)] (NM_002111.8); c.53AGC[(41_?)] (NM_002111.6); c.52CAG[40_?] (NM_002111.8).
Identifiers: ClinVar variation 409 (VCV000000409.5).